The following is an entry in ClinVar:

ClinVar aggregate classification (germline): Uncertain significance (1 of 4 stars; one submission).

Conditions:
Intellectual disability and myopathy syndrome (IDMYS). Identifiers: MedGen C5676904, MONDO:0859224, OMIM 619719.
Atrial fibrillation, familial, 12 (ATFB12). Identifiers: MedGen C3279695, MONDO:0013545, OMIM 614050.
Dilated cardiomyopathy 1O (CMD1O). Also called: CARDIOMYOPATHY, DILATED, WITH VENTRICULAR TACHYCARDIA. Identifiers: Orphanet 154, MedGen C1837839, MONDO:0012062, OMIM 608569.
Hypertrichotic osteochondrodysplasia Cantu type. Also called: Cantú Syndrome; Cantu Syndrome. Identifiers: Orphanet 1517, MedGen C0795905, MONDO:0009406, OMIM 239850.

Submission:

Juno Genomics, Hangzhou Juno Genomics, Inc
Classification: Uncertain significance for Atrial fibrillation, familial, 12; Dilated cardiomyopathy 1O; Hypertrichotic osteochondrodysplasia Cantu type; Intellectual disability and myopathy syndrome. Review status: criteria provided, single submitter. Criteria: ACMG Guidelines, 2015. Collection method: clinical testing. Allele origin: germline.
Comment: Missense variant in a gene that has a low rate of benign missense variation.;Multiple lines of computational evidence support a deleterious effect on the gene or gene product.;Absent from controls (or at extremely low frequency if recessive) in Genome Aggregation Database.

NM_020297.4(ABCC9):c.2550A>C (p.Leu850Phe)

Gene: ABCC9 (ATP binding cassette subfamily C member 9; minus strand). Cytogenetic location: 12p12.1.
Variant type: single nucleotide variant.
Coding change: c.2550A>C on transcript NM_020297.4 (MANE Select); coding-DNA position 2550, A replaced by C.
Protein change: p.Leu850Phe; replaces leucine 850 with phenylalanine.
Molecular consequence: missense variant.
Genome position (GRCh38, 1-based): chr12:21,852,461, T>G on the plus strand (A>C on the coding strand, the complement: ABCC9 is on the minus strand). VCF-style: chr12-21852461-T-G. GRCh37 (hg19) VCF-style: chr12-22005395-T-G.
Other names: c.2550A>C, p.Leu850Phe (NM_001377273.1, NM_005691.4); c.1683A>C, p.Leu561Phe (NM_001377274.1); short protein forms L561F, L850F.
Identifiers: ClinVar variation 5005076 (VCV005005076.2).